The following is an entry in ClinVar:

ClinVar aggregate classification (germline): Likely pathogenic (1 of 4 stars; one submission).

Submission:

Dasa
Classification: Likely pathogenic. Last evaluated: 2025-06-26. Review status: criteria provided, single submitter. Criteria: DASA Assertion Criteria. Collection method: clinical testing. Allele origin: germline.
Comment: NM_006371.5(CRTAP):c.894T>A (p.Tyr298*) is a nonsense variant in CRTAP predicted to introduce a premature termination codon and is predicted to result in an absent or altered protein product. Loss of function is an established disease mechanism for CRTAP-associated disorders. Also, this variant is absent from population databases. Based on the currently available evidence, this variant is classified as likely pathogenic.

NM_006371.5(CRTAP):c.894T>A (p.Tyr298Ter)

Gene: CRTAP (cartilage associated protein; plus strand). Cytogenetic location: 3p22.3.
Variant type: single nucleotide variant.
Coding change: c.894T>A on transcript NM_006371.5 (MANE Select); coding-DNA position 894, T replaced by A.
Protein change: p.Tyr298Ter; replaces tyrosine 298 with a stop codon.
Molecular consequence: nonsense. On other transcripts: intron variant (1).
Genome position (GRCh38, 1-based): chr3:33,130,039, T>A. VCF-style: chr3-33130039-T-A. GRCh37 (hg19) VCF-style: chr3-33171531-T-A.
Other names: c.894T>A, p.Tyr298Ter (NM_001393363.1); c.744T>A, p.Tyr248Ter (NM_001393365.1); c.794-2516T>A (NM_001393364.1); short protein forms Y248*, Y298*.
Identifiers: ClinVar variation 4882611 (VCV004882611.2).